The following is an entry in ClinVar:

ClinVar aggregate classification (germline): Uncertain significance (1 of 4 stars; one submission).

Conditions:
Hypertrophic cardiomyopathy. Also called: HYPERTROPHIC MYOCARDIOPATHY. Identifiers: Orphanet 217569, MedGen C0007194, MeSH D002312, MONDO:0005045, HP:0001639.

Submission:

Labcorp Genetics (formerly Invitae), Labcorp
Classification: Uncertain significance for Hypertrophic cardiomyopathy. Last evaluated: 2024-09-17. Review status: criteria provided, single submitter. Criteria: Invitae Variant Classification Sherloc (09022015). Collection method: clinical testing. Allele origin: germline.
Comment: This sequence change replaces arginine, which is basic and polar, with glycine, which is neutral and non-polar, at codon 35 of the TPM1 protein (p.Arg35Gly). This variant is not present in population databases (gnomAD no frequency). This variant has not been reported in the literature in individuals affected with TPM1-related conditions. ClinVar contains an entry for this variant (Variation ID: 1061635). An algorithm developed to predict the effect of missense changes on protein structure and function (PolyPhen-2) suggests that this variant is likely to be tolerated. In summary, the available evidence is currently insufficient to determine the role of this variant in disease. Therefore, it has been classified as a Variant of Uncertain Significance.

NM_001018005.2(TPM1):c.103A>G (p.Arg35Gly)

Gene: TPM1 (tropomyosin 1; plus strand). Cytogenetic location: 15q22.2.
Variant type: single nucleotide variant.
Coding change: c.103A>G on transcript NM_001018005.2 (MANE Select); coding-DNA position 103, A replaced by G.
Protein change: p.Arg35Gly; replaces arginine 35 with glycine.
Molecular consequence: missense variant.
Genome position (GRCh38, 1-based): chr15:63,042,932, A>G. VCF-style: chr15-63042932-A-G. GRCh37 (hg19) VCF-style: chr15-63335131-A-G.
Other names: c.103A>G, p.Arg35Gly (NM_000366.6, NM_001018004.2, NM_001018006.2 and 7 more transcripts); short protein forms R35G.
Identifiers: ClinVar variation 1061635 (VCV001061635.9), dbSNP rs1596297347, ClinGen allele CA392718151.